The following is an entry in ClinVar:

ClinVar aggregate classification (germline): Uncertain significance. Review status: criteria provided, multiple submitters, no conflicts (2 of 4 stars). 2 submissions from 2 submitters: Uncertain significance (2). Last evaluated 2025-11-03.

Conditions:
Inborn genetic diseases. Identifiers: MedGen C0950123, MeSH D030342.

gnomAD v4.1: 2 of 1,612,996 alleles (0.00012%); highest among the groups gnomAD compares: Admixed American, 0.0017%; no homozygotes.

Submissions (2):

Labcorp Genetics (formerly Invitae), Labcorp
Classification: Uncertain significance. Last evaluated: 2025-11-03. Review status: criteria provided, single submitter. Criteria: Invitae Variant Classification Sherloc (09022015). Collection method: clinical testing. Allele origin: germline.
Comment: This sequence change replaces leucine, which is neutral and non-polar, with isoleucine, which is neutral and non-polar, at codon 1430 of the ANKRD26 protein (p.Leu1430Ile). This variant is not present in population databases (gnomAD no frequency). This variant has not been reported in the literature in individuals affected with ANKRD26-related conditions. ClinVar contains an entry for this variant (Variation ID: 3710232). An algorithm developed to predict the effect of missense changes on protein structure and function (PolyPhen-2) suggests that this variant is likely to be disruptive. In summary, the available evidence is currently insufficient to determine the role of this variant in disease. Therefore, it has been classified as a Variant of Uncertain Significance.

Ambry Genetics
Classification: Uncertain significance for Inborn genetic diseases. Last evaluated: 2025-03-24. Review status: criteria provided, single submitter. Criteria: Ambry Variant Classification Scheme 2023. Collection method: clinical testing. Allele origin: germline.

NM_014915.3(ANKRD26):c.4288C>A (p.Leu1430Ile)

Gene: ANKRD26 (ankyrin repeat domain 26; minus strand). Cytogenetic location: 10p12.1.
Variant type: single nucleotide variant.
Coding change: c.4288C>A on transcript NM_014915.3 (MANE Select); coding-DNA position 4288, C replaced by A.
Protein change: p.Leu1430Ile; replaces leucine 1430 with isoleucine.
Molecular consequence: missense variant.
Genome position (GRCh38, 1-based): chr10:27,017,720, G>T on the plus strand (C>A on the coding strand, the complement: ANKRD26 is on the minus strand). VCF-style: chr10-27017720-G-T. GRCh37 (hg19) VCF-style: chr10-27306649-G-T.
Other names: c.4285C>A, p.Leu1429Ile (NM_001256053.2); short protein forms L1429I, L1430I.
Identifiers: ClinVar variation 3710232 (VCV003710232.4).
Genomic context (GRCh38, chr10:27,017,720, plus strand): 5'-TCTTCTGTAGTTTTTCACATTTCTTTTGTACTGTTTTCATAGATAACAACTCCTCTTGAA[G>T]AATTTGGTTCTTTGTATCCAGATGTAGACATTTTGAACCTGCAGTCTCCAGTTCTGCTGT-3'
Protein context (NP_055730.2, residues 1420-1440): CLHLDTKNQI[Leu1430Ile]QEELLSMKTV